The following is an entry in ClinVar:

ClinVar aggregate classification (germline): Uncertain significance (1 of 4 stars; one submission).

Conditions:
Hereditary cancer-predisposing syndrome. Also called: Neoplastic Syndromes, Hereditary; Hereditary Cancer Syndrome; Hereditary neoplastic syndrome; Tumor predisposition. Identifiers: Orphanet 140162, MedGen C0027672, MeSH D009386, MONDO:0015356.

Submission:

Ambry Genetics
Classification: Uncertain significance for Hereditary cancer-predisposing syndrome. Last evaluated: 2026-04-02. Review status: criteria provided, single submitter. Criteria: Ambry Variant Classification Scheme 2023. Collection method: clinical testing. Allele origin: germline.
Comment: The c.1176+5G>A intronic variant results from a G to A substitution 5 nucleotides after coding exon 7 in the FLCN gene. This nucleotide position is well conserved in available vertebrate species. In silico splice site analysis predicts that this alteration will weaken the native splice donor site and will result in the creation or strengthening of a novel splice donor site. RNA studies have demonstrated that this variant results in a splice defect; the clinical impact of this abnormal splicing is unknown at this time (Ambry internal data). Based on the available evidence, the clinical significance of this variant remains unclear.

NM_144997.7(FLCN):c.1176+5G>A

Gene: FLCN (folliculin; minus strand). Cytogenetic location: 17p11.2.
Variant type: single nucleotide variant.
Coding change: c.1176+5G>A on transcript NM_144997.7 (MANE Select); 5 bases into the intron after coding-DNA position 1176, G replaced by A.
Molecular consequence: intron variant.
Genome position (GRCh38, 1-based): chr17:17,217,064, C>T on the plus strand (G>A on the coding strand, the complement: FLCN is on the minus strand). VCF-style: chr17-17217064-C-T. GRCh37 (hg19) VCF-style: chr17-17120378-C-T.
Other names: c.1176+5G>A (NM_001353231.2, NM_001353230.2); c.1230+5G>A (NM_001353229.2).
Identifiers: ClinVar variation 4871376 (VCV004871376.1).